The following is an entry in ClinVar:

ClinVar aggregate classification (germline): Uncertain significance (1 of 4 stars; one submission).

Conditions:
Familial episodic pain syndrome with predominantly lower limb involvement. Also called: Episodic pain syndrome, familial, 3. Identifiers: Orphanet 391384, Orphanet 391392, MedGen C3809899, MONDO:0014247, OMIM 615552.
Hereditary sensory and autonomic neuropathy type 7. Also called: HSAN VII; Neuropathy, hereditary sensory and autonomic, type VII. Identifiers: Orphanet 391397, MedGen C3809882, MONDO:0014244, OMIM 615548.

Allele frequency attached by ClinVar (database versions not stated): gnomAD exomes 0.00001.

Submission:

Labcorp Genetics (formerly Invitae), Labcorp
Classification: Uncertain significance for Familial episodic pain syndrome with predominantly lower limb involvement; Hereditary sensory and autonomic neuropathy type 7. Last evaluated: 2020-11-06. Review status: criteria provided, single submitter. Criteria: Invitae Variant Classification Sherloc (09022015). Collection method: clinical testing. Allele origin: germline.
Comment: This variant has not been reported in the literature in individuals with SCN11A-related conditions. This variant is not present in population databases (ExAC no frequency). This sequence change replaces leucine with proline at codon 374 of the SCN11A protein (p.Leu374Pro). The leucine residue is weakly conserved and there is a moderate physicochemical difference between leucine and proline. Algorithms developed to predict the effect of missense changes on protein structure and function output the following: SIFT: "Tolerated"; PolyPhen-2: "Benign"; Align-GVGD: "Class C0". The proline amino acid residue is found in multiple mammalian species, suggesting that this missense change does not adversely affect protein function. These predictions have not been confirmed by published functional studies and their clinical significance is uncertain. In summary, the available evidence is currently insufficient to determine the role of this variant in disease. Therefore, it has been classified as a Variant of Uncertain Significance.

NM_001349253.2(SCN11A):c.1121T>C (p.Leu374Pro)

Gene: SCN11A (sodium voltage-gated channel alpha subunit 11; minus strand). Cytogenetic location: 3p22.2.
Variant type: single nucleotide variant.
Coding change: c.1121T>C on transcript NM_001349253.2 (MANE Select); coding-DNA position 1121, T replaced by C.
Protein change: p.Leu374Pro; replaces leucine 374 with proline.
Molecular consequence: missense variant.
Genome position (GRCh38, 1-based): chr3:38,909,175, A>G on the plus strand (T>C on the coding strand, the complement: SCN11A is on the minus strand). VCF-style: chr3-38909175-A-G. GRCh37 (hg19) VCF-style: chr3-38950666-A-G.
Other names: c.1121T>C, p.Leu374Pro (NM_014139.3); short protein forms L374P.
Identifiers: ClinVar variation 1394412 (VCV001394412.8), dbSNP rs2125537190, ClinGen allele CA352168326.
Genomic context (GRCh38, chr3:38,909,175, plus strand): 5'-AAGTTAATCAGGTAGAAGGAGCCCAGGAAAATGACCACAATGAAGAAGAAGACTGAGTAG[A>G]GCCCAGTAGTACGCAGGGTCTGCAAAGGACAGAGCATGTTCTTGAATATCAAACCTTCTT-3'
Protein context (NP_001336182.1, residues 364-384): LYQQTLRTTG[Leu374Pro]YSVFFFIVVI